The following is an entry in ClinVar:

NM_017837.4(PIGV):c.735G>A (p.Val245=)

Gene: PIGV (phosphatidylinositol glycan anchor biosynthesis class V; plus strand). Cytogenetic location: 1p36.11.
Variant type: single nucleotide variant.
Coding change: c.735G>A on transcript NM_017837.4 (MANE Select); coding-DNA position 735, G replaced by A.
Protein change: p.Val245=; no amino-acid change (valine 245 retained).
Molecular consequence: synonymous variant. On other transcripts: non-coding transcript variant (1), intron variant (3).
Genome position (GRCh38, 1-based): chr1:26,794,769, G>A. VCF-style: chr1-26794769-G-A. GRCh37 (hg19) VCF-style: chr1-27121260-G-A.
Other names: c.735G>A, p.Val245= (NM_001202554.2, NM_001374478.1, NM_001374480.1 and 2 more transcripts); c.354G>A, p.Val118= (NM_001374483.1); c.173-65G>A (NM_001374484.1, NM_001374485.1); c.79-2794G>A (NM_001374486.1).
Identifiers: ClinVar variation 390958 (VCV000390958.10), dbSNP rs762221948, ClinGen allele CA708107.
Genomic context (GRCh38, chr1:26,794,769, plus strand): 5'-AACGATGCTGAATCCTCTGAGACAGCTCTTTAAGCTGATGGCCTCTCTGTTTCTGTCGGT[G>A]TTCACACTTGGCCTTCCCTTTGCCCTCTTTCAGTATTATGCCTACACCCAATTCTGTCTG-3'
Protein context (NP_060307.2, residues 235-255): FKLMASLFLS[Val245=]FTLGLPFALF

ClinVar aggregate classification (germline): Likely benign. Review status: criteria provided, multiple submitters, no conflicts (2 of 4 stars). 3 submissions from 3 submitters: Likely benign (2). 1 of the submissions does not count toward it. Last evaluated 2025-07-17.

Conditions:
PIGV-related disorder. Also called: PIGV-related condition; PIGV-related disorders.

Allele frequency attached by ClinVar (database versions not stated): TOPMed below 0.00001; gnomAD 0.00001; ExAC 0.00002; gnomAD exomes 0.00002 and 0.00003.
gnomAD v4.1: 48 of 1,614,022 alleles (0.003%); highest among the groups gnomAD compares: Middle Eastern, 0.28%; 1 homozygote.

Submissions (3):

Labcorp Genetics (formerly Invitae), Labcorp
Classification: Likely benign. Last evaluated: 2025-07-17. Review status: criteria provided, single submitter. Criteria: Invitae Variant Classification Sherloc (09022015). Collection method: clinical testing. Allele origin: germline.

GeneDx
Classification: Likely benign. Last evaluated: 2016-11-24. Review status: criteria provided, single submitter. Criteria: GeneDx Variant Classification (06012015). Collection method: clinical testing. Allele origin: germline. Affected: yes.
Comment: This variant is considered likely benign or benign based on one or more of the following criteria: it is a conservative change, it occurs at a poorly conserved position in the protein, it is predicted to be benign by multiple in silico algorithms, and/or has population frequency not consistent with disease.

PreventionGenetics, part of Exact Sciences
Classification: Likely benign for PIGV-related condition. Last evaluated: 2019-04-18. Review status: no assertion criteria provided. Collection method: clinical testing. Allele origin: germline. Not counted in ClinVar's aggregate classification.
Comment: This variant is classified as likely benign based on ACMG/AMP sequence variant interpretation guidelines (Richards et al. 2015 PMID: 25741868, with internal and published modifications).